The following is an entry in ClinVar:

NM_138694.4(PKHD1):c.9834del (p.Thr3279fs)

Gene: PKHD1 (PKHD1 ciliary IPT domain containing fibrocystin/polyductin; minus strand). Cytogenetic location: 6p12.3.
Variant type: Deletion.
Coding change: c.9834del on transcript NM_138694.4 (MANE Select); coding-DNA position 9834, one base deleted (T; older notation c.9834delT).
Protein change: p.Thr3279fs; shifts the reading frame from threonine 3279.
Molecular consequence: frameshift variant.
Genome position (GRCh38, 1-based): chr6:51,746,885, A deleted on the plus strand (T on the coding strand, the reverse complement: PKHD1 is on the minus strand); the first of 2 consecutive A bases (chr6:51,746,885-51,746,886); deleting either gives the same sequence. VCF-style (leftmost placement, unchanged base first): chr6-51746884-TA-T. GRCh37 (hg19) VCF-style: chr6-51611682-TA-T.
Other names: c.9834del, p.Thr3279fs (NM_170724.3); short protein forms T3279fs.
Identifiers: ClinVar variation 1725223 (VCV001725223.2), dbSNP rs2533780806, ClinGen allele CA2580075425.

ClinVar aggregate classification (germline): Likely pathogenic (1 of 4 stars; one submission).

Conditions:
Polycystic kidney disease 4 (PKD4). Also called: POLYCYSTIC KIDNEY AND HEPATIC DISEASE 1; POLYCYSTIC KIDNEY DISEASE, INFANTILE, TYPE I; POLYCYSTIC KIDNEY DISEASE 4 WITH OR WITHOUT POLYCYSTIC LIVER DISEASE; PKD3; Autosomal Recessive Polycystic Kidney Disease – PKHD1. Identifiers: MedGen C4540575, MONDO:0033004, OMIM 263200.

Submission:

Myriad Genetics, Inc.
Classification: Likely pathogenic for Polycystic kidney disease 4. Last evaluated: 2022-03-14. Review status: criteria provided, single submitter. Criteria: Myriad Women's Health Autosomal Recessive and X-Linked Classification Criteria (2021). Collection method: clinical testing. Allele origin: unknown.
Comment: NM_138694.3(PKHD1):c.9834delT(T3279Pfs*6) is expected to be pathogenic in the context of autosomal recessive polycystic kidney disease, PKHD1-related. This variant is predicted to lead to an abnormal or absent protein product due to the creation of a premature termination codon in PKHD1, a gene where loss-of-function variants are known to be pathogenic. Please note: this variant was assessed in the context of healthy population screening.